The following is an entry in ClinVar:

NM_016306.6(DNAJB11):c.51C>T (p.Ile17=)

Genes: DNAJB11 (DnaJ heat shock protein family (Hsp40) member B11; plus strand), LOC129938103 (ATAC-STARR-seq lymphoblastoid silent region 14987; plus strand). Cytogenetic location: 3q27.3.
Variant type: single nucleotide variant.
Coding change: c.51C>T on transcript NM_016306.6 (MANE Select); coding-DNA position 51, C replaced by T.
Protein change: p.Ile17=; no amino-acid change (isoleucine 17 retained).
Molecular consequence: synonymous variant. On other transcripts: non-coding transcript variant (6).
Genome position (GRCh38, 1-based): chr3:186,570,948, C>T. VCF-style: chr3-186570948-C-T. GRCh37 (hg19) VCF-style: chr3-186288737-C-T.
Other names: c.51C>T, p.Ile17= (NM_001378451.1).
Identifiers: ClinVar variation 3055021 (VCV003055021.2), dbSNP rs775986965, ClinGen allele CA2744398.

ClinVar aggregate classification (germline): Likely benign (0 of 4 stars; one submission).

Conditions:
DNAJB11-related disorder. Also called: DNAJB11-related condition.

Allele frequency attached by ClinVar (database versions not stated): ExAC 0.00001.
gnomAD v4.1: 3 of 1,358,804 alleles (0.00022%); highest among the groups gnomAD compares: South Asian, 0.0012%; no homozygotes.

Submission:

PreventionGenetics, part of Exact Sciences
Classification: Likely benign for DNAJB11-related condition. Last evaluated: 2022-07-16. Review status: no assertion criteria provided. Collection method: clinical testing. Allele origin: germline.
Comment: This variant is classified as likely benign based on ACMG/AMP sequence variant interpretation guidelines (Richards et al. 2015 PMID: 25741868, with internal and published modifications).